The following is an entry in ClinVar:

ClinVar aggregate classification (germline): Uncertain significance. Review status: criteria provided, multiple submitters, no conflicts (2 of 4 stars). 2 submissions from 2 submitters: Uncertain significance (2). Last evaluated 2025-11-23.

Conditions:
Inborn genetic diseases. Identifiers: MedGen C0950123, MeSH D030342.

Submissions (2):

Ambry Genetics
Classification: Uncertain significance for Inborn genetic diseases. Last evaluated: 2025-11-23. Review status: criteria provided, single submitter. Criteria: Ambry Variant Classification Scheme 2023. Collection method: clinical testing. Allele origin: germline.

GeneDx
Classification: Uncertain significance. Last evaluated: 2024-01-30. Review status: criteria provided, single submitter. Criteria: GeneDx Variant Classification Process June 2021. Collection method: clinical testing. Allele origin: germline. Affected: yes.
Comment: Not observed at significant frequency in large population cohorts (gnomAD); In silico analysis supports that this missense variant has a deleterious effect on protein structure/function; Has not been previously published as pathogenic or benign to our knowledge

NM_018026.4(PACS1):c.1990C>T (p.Leu664Phe)

Gene: PACS1 (phosphofurin acidic cluster sorting protein 1; plus strand). Cytogenetic location: 11q13.2.
Variant type: single nucleotide variant.
Coding change: c.1990C>T on transcript NM_018026.4 (MANE Select); coding-DNA position 1990, C replaced by T.
Protein change: p.Leu664Phe; replaces leucine 664 with phenylalanine.
Molecular consequence: missense variant.
Genome position (GRCh38, 1-based): chr11:66,233,936, C>T. VCF-style: chr11-66233936-C-T. GRCh37 (hg19) VCF-style: chr11-66001407-C-T.
Other names: c.1990C>T (NM_018026.2); short protein forms L664F.
Identifiers: ClinVar variation 3368369 (VCV003368369.2).